The following is an entry in ClinVar:

ClinVar aggregate classification (germline): Benign/Likely benign. Review status: criteria provided, multiple submitters, no conflicts (2 of 4 stars). 4 submissions from 4 submitters: Benign (1); Likely benign (3). Last evaluated 2025-06-22.

Conditions:
Cardiomyopathy (CMYO). Also called: Cardiomyopathies. Identifiers: Orphanet 167848, MedGen C0878544, MONDO:0004994, HP:0001638. Inheritance: Various modes of inheritance.
Hypertrophic cardiomyopathy. Also called: HYPERTROPHIC MYOCARDIOPATHY. Identifiers: Orphanet 217569, MedGen C0007194, MeSH D002312, MONDO:0005045, HP:0001639.

Allele frequency attached by ClinVar (database versions not stated): ExAC 0.00001; gnomAD 0.00001; gnomAD exomes 0.00001; TOPMed 0.00001.
gnomAD v4.1: 26 of 1,609,094 alleles (0.0016%); highest among the groups gnomAD compares: Non-Finnish European, 0.0015%; no homozygotes.

Submissions (4):

Labcorp Genetics (formerly Invitae), Labcorp
Classification: Likely benign for Hypertrophic cardiomyopathy. Last evaluated: 2025-06-22. Review status: criteria provided, single submitter. Criteria: Invitae Variant Classification Sherloc (09022015). Collection method: clinical testing. Allele origin: germline.

All of Us Research Program, National Institutes of Health
Classification: Likely benign for Cardiomyopathy. Last evaluated: 2024-02-05. Review status: criteria provided, single submitter. Criteria: ACMG Guidelines, 2015. Collection method: clinical testing. Allele origin: germline. Inheritance: Autosomal dominant inheritance. Observed: 4 variant alleles, 4 heterozygotes.
Comment: This study involves interpretation of variants in research participants for the purpose of population health screening. Participant phenotype was not available at the time of variant classification. Additional details can be found in publication PMID: 35346344, PMCID: PMC8962531

Color Diagnostics, LLC DBA Color Health
Classification: Likely benign for Cardiomyopathy. Last evaluated: 2021-03-23. Review status: criteria provided, single submitter. Criteria: ACMG Guidelines, 2015. Collection method: clinical testing. Allele origin: germline.

GeneDx
Classification: Benign. Last evaluated: 2013-08-15. Review status: criteria provided, single submitter. Criteria: GeneDx Variant Classification (06012015). Collection method: clinical testing. Allele origin: germline. Affected: yes.
Comment: This variant is considered likely benign or benign based on one or more of the following criteria: it is a conservative change, it occurs at a poorly conserved position in the protein, it is predicted to be benign by multiple in silico algorithms, and/or has population frequency not consistent with disease.

NM_000257.4(MYH7):c.5560-12T>G

Gene: MYH7 (myosin heavy chain 7; minus strand). Cytogenetic location: 14q11.2.
Variant type: single nucleotide variant.
Coding change: c.5560-12T>G on transcript NM_000257.4 (MANE Select); 12 bases into the intron before coding-DNA position 5560, T replaced by G.
Molecular consequence: intron variant.
Genome position (GRCh38, 1-based): chr14:23,414,114, A>C on the plus strand (T>G on the coding strand, the complement: MYH7 is on the minus strand). VCF-style: chr14-23414114-A-C. GRCh37 (hg19) VCF-style: chr14-23883323-A-C.
Other names: c.5560-12T>G (LRG_384t1).
Identifiers: ClinVar variation 138385 (VCV000138385.11), dbSNP rs587781086, ClinGen allele CA016253.